The following is an entry in ClinVar:

ClinVar aggregate classification (germline): Uncertain significance (1 of 4 stars; one submission).

Conditions:
Microcephaly-intellectual disability-sensorineural hearing loss-epilepsy-abnormal muscle tone syndrome (NEDHSB). Also called: NEURODEVELOPMENTAL DISORDER WITH HEARING LOSS, SEIZURES, AND BRAIN ABNORMALITIES. Identifiers: Orphanet 457351, MedGen C4225276, MONDO:0014698, OMIM 616577.

Allele frequency attached by ClinVar (database versions not stated): gnomAD exomes below 0.00001; ExAC 0.00001.
gnomAD v4.1: 1 of 1,614,020 alleles (0.000062%); highest among the groups gnomAD compares: Non-Finnish European, 0.000085%; no homozygotes.

Submission:

Labcorp Genetics (formerly Invitae), Labcorp
Classification: Uncertain significance for Microcephaly-intellectual disability-sensorineural hearing loss-epilepsy-abnormal muscle tone syndrome. Last evaluated: 2020-11-26. Review status: criteria provided, single submitter. Criteria: Invitae Variant Classification Sherloc (09022015). Collection method: clinical testing. Allele origin: germline.
Comment: In summary, the available evidence is currently insufficient to determine the role of this variant in disease. Therefore, it has been classified as a Variant of Uncertain Significance. Advanced modeling of protein sequence and biophysical properties (such as structural, functional, and spatial information, amino acid conservation, physicochemical variation, residue mobility, and thermodynamic stability) performed at Invitae indicates that this missense variant is expected to disrupt SPATA5 protein function. This variant has not been reported in the literature in individuals with SPATA5-related conditions. This variant is present in population databases (rs767856074, ExAC 0.001%). This sequence change replaces aspartic acid with asparagine at codon 776 of the SPATA5 protein (p.Asp776Asn). The aspartic acid residue is highly conserved and there is a small physicochemical difference between aspartic acid and asparagine.

NM_145207.3(AFG2A):c.2326G>A (p.Asp776Asn)

Gene: AFG2A (AAA ATPase AFG2A; plus strand). Cytogenetic location: 4q28.1.
Variant type: single nucleotide variant.
Coding change: c.2326G>A on transcript NM_145207.3 (MANE Select); coding-DNA position 2326, G replaced by A.
Protein change: p.Asp776Asn; replaces aspartic acid 776 with asparagine.
Molecular consequence: missense variant.
Genome position (GRCh38, 1-based): chr4:123,090,691, G>A. VCF-style: chr4-123090691-G-A. GRCh37 (hg19) VCF-style: chr4-124011846-G-A.
Other names: c.2323G>A, p.Asp775Asn (NM_001345856.2); short protein forms D775N, D776N.
Identifiers: ClinVar variation 1433529 (VCV001433529.7), dbSNP rs767856074, ClinGen allele CA3070704.